The following is an entry in ClinVar:

NM_000038.6(APC):c.835-8A>C

Gene: APC (APC regulator of Wnt signaling pathway; plus strand). Cytogenetic location: 5q22.2.
Variant type: single nucleotide variant.
Coding change: c.835-8A>C on transcript NM_000038.6 (MANE Select); 8 bases into the intron before coding-DNA position 835, A replaced by C.
Molecular consequence: intron variant.
Genome position (GRCh38, 1-based): chr5:112,815,487, A>C. VCF-style: chr5-112815487-A-C. GRCh37 (hg19) VCF-style: chr5-112151184-A-C.
Other names: c.835-8A>C (NM_001407460.1, NM_001407448.1, NM_001407450.1 and 12 more transcripts); c.751-8A>C (NM_001407452.1, NM_001407469.1, NM_001354899.2 and 1 more transcripts); c.865-8A>C (NM_001407446.1, NM_001354897.2, NM_001354902.2); c.781-8A>C (NM_001127511.3); c.658-8A>C (NM_001407453.1, NM_001354900.2, NM_001354901.2 and 1 more transcripts); c.760-8A>C (NM_001407451.1, NM_001354898.2, NM_001354904.2); c.-15-8A>C (NM_001354906.2, NM_001407471.1, NM_001407470.1 and 1 more transcripts).
Identifiers: ClinVar variation 2819268 (VCV002819268.4), dbSNP rs1064793022, ClinGen allele CA2739274978.

ClinVar aggregate classification (germline): Likely benign. Review status: criteria provided, multiple submitters, no conflicts (2 of 4 stars). 2 submissions from 2 submitters: Likely benign (2). Last evaluated 2023-11-20.

Conditions:
Classic or attenuated familial adenomatous polyposis. Identifiers: MedGen CN372698, MONDO:0021057.
Familial adenomatous polyposis 1 (FAP1). Also called: FAMILIAL ADENOMATOUS POLYPOSIS 1, ATTENUATED; POLYPOSIS, ADENOMATOUS INTESTINAL. Identifiers: MedGen C2713442, MONDO:0021056, OMIM 175100. Disease mechanism: loss of function.

Submissions (2):

All of Us Research Program, National Institutes of Health
Classification: Likely benign for Classic or attenuated familial adenomatous polyposis. Last evaluated: 2023-11-20. Review status: criteria provided, single submitter. Criteria: ACMG Guidelines, 2015. Collection method: clinical testing. Allele origin: germline. Inheritance: Autosomal dominant inheritance. Observed: 1 variant allele, 1 heterozygote.
Comment: This study involves interpretation of variants in research participants for the purpose of population health screening. Participant phenotype was not available at the time of variant classification. Additional details can be found in publication PMID: 35346344, PMCID: PMC8962531

Labcorp Genetics (formerly Invitae), Labcorp
Classification: Likely benign for Familial adenomatous polyposis 1. Last evaluated: 2022-12-07. Review status: criteria provided, single submitter. Criteria: Invitae Variant Classification Sherloc (09022015). Collection method: clinical testing. Allele origin: germline.